The following is an entry in ClinVar:

NM_006015.6(ARID1A):c.1966G>T (p.Ala656Ser)

Gene: ARID1A (AT-rich interaction domain 1A; plus strand). Cytogenetic location: 1p36.11.
Variant type: single nucleotide variant.
Coding change: c.1966G>T on transcript NM_006015.6 (MANE Select); coding-DNA position 1966, G replaced by T.
Protein change: p.Ala656Ser; replaces alanine 656 with serine.
Molecular consequence: missense variant.
Genome position (GRCh38, 1-based): chr1:26,760,901, G>T. VCF-style: chr1-26760901-G-T. GRCh37 (hg19) VCF-style: chr1-27087392-G-T.
Other names: c.1966G>T, p.Ala656Ser (NM_139135.4); short protein forms A656S.
Identifiers: ClinVar variation 2837670 (VCV002837670.4), dbSNP rs1275523889, ClinGen allele CA339152427.
Genomic context (GRCh38, chr1:26,760,901, plus strand): 5'-ATATATATGTTCTAGGATCTATCTGGTTCAATAGATGACCTCCCCATGGGGACAGAAGGA[G>T]CTCTGAGTCCTGGAGTGAGCACATCAGGGATTTCCAGCAGCCAAGGAGAGCAGAGTAATC-3'
Protein context (NP_006006.3, residues 646-666): IDDLPMGTEG[Ala656Ser]LSPGVSTSGI

ClinVar aggregate classification (germline): Uncertain significance. Review status: criteria provided, multiple submitters, no conflicts (2 of 4 stars). 2 submissions from 2 submitters: Uncertain significance (2). Last evaluated 2024-12-20.

Allele frequency attached by ClinVar (database versions not stated): TOPMed below 0.00001.

Submissions (2):

Women's Health and Genetics/Laboratory Corporation of America, LabCorp
Classification: Uncertain significance. Last evaluated: 2024-12-20. Review status: criteria provided, single submitter. Criteria: LabCorp Variant Classification Summary - May 2015. Collection method: clinical testing. Allele origin: germline.
Comment: Variant summary: ARID1A c.1966G>T (p.Ala656Ser) results in a conservative amino acid change in the encoded protein sequence. Three of five in-silico tools predict a benign effect of the variant on protein function. The variant was absent in 251364 control chromosomes. The available data on variant occurrences in the general population are insufficient to allow any conclusion about variant significance. To our knowledge, no occurrence of c.1966G>T in individuals affected with Mental Retardation, Autosomal Dominant 14 and no experimental evidence demonstrating its impact on protein function have been reported. ClinVar contains an entry for this variant (Variation ID: 2837670). Based on the evidence outlined above, the variant was classified as uncertain significance.

Labcorp Genetics (formerly Invitae), Labcorp
Classification: Uncertain significance. Last evaluated: 2024-09-06. Review status: criteria provided, single submitter. Criteria: Invitae Variant Classification Sherloc (09022015). Collection method: clinical testing. Allele origin: germline.
Comment: This sequence change replaces alanine, which is neutral and non-polar, with serine, which is neutral and polar, at codon 656 of the ARID1A protein (p.Ala656Ser). This variant is not present in population databases (gnomAD no frequency). This variant has not been reported in the literature in individuals affected with ARID1A-related conditions. Invitae Evidence Modeling of protein sequence and biophysical properties (such as structural, functional, and spatial information, amino acid conservation, physicochemical variation, residue mobility, and thermodynamic stability) indicates that this missense variant is not expected to disrupt ARID1A protein function with a negative predictive value of 80%. In summary, the available evidence is currently insufficient to determine the role of this variant in disease. Therefore, it has been classified as a Variant of Uncertain Significance.